The following is an entry in ClinVar:

NM_003482.4(KMT2D):c.9995C>G (p.Thr3332Ser)

Gene: KMT2D (lysine methyltransferase 2D; minus strand). Cytogenetic location: 12q13.12.
Variant type: single nucleotide variant.
Coding change: c.9995C>G on transcript NM_003482.4 (MANE Select); coding-DNA position 9995, C replaced by G.
Protein change: p.Thr3332Ser; replaces threonine 3332 with serine.
Molecular consequence: missense variant.
Genome position (GRCh38, 1-based): chr12:49,037,361, G>C on the plus strand (C>G on the coding strand, the complement: KMT2D is on the minus strand). VCF-style: chr12-49037361-G-C. GRCh37 (hg19) VCF-style: chr12-49431144-G-C.
Other names: short protein forms T3332S.
Identifiers: ClinVar variation 2741327 (VCV002741327.4), dbSNP rs538140386, ClinGen allele CA6546624.
Genomic context (GRCh38, chr12:49,037,361, plus strand): 5'-TTGGACACCATAGCCATGGATGGAGCCAGGCGTTGCTGGAGGGCATGAGCTGGTGGCTGG[G>C]TGGGCATCAGTGGCTGGGGCAAACCTGGCTGTCGGGCACCTGCAAGACCCAGGGAAAGCT-3'
Protein context (NP_003473.3, residues 3322-3342): QPGLPQPLMP[Thr3332Ser]QPPAHALQQR

ClinVar aggregate classification (germline): Conflicting classifications of pathogenicity. Review status: criteria provided, conflicting classifications (1 of 4 stars). 2 submissions from 2 submitters: Uncertain significance (1); Benign (1). Last evaluated 2025-06-10.

Conditions:
Kabuki syndrome. Also called: NIIKAWA-KUROKI SYNDROME; Kabuki make-up syndrome. Identifiers: Orphanet 2322, MedGen C0796004, MONDO:0016512.
KMT2D-related disorder. Also called: KMT2D-Related Disorders.

Allele frequency attached by ClinVar (database versions not stated): gnomAD exomes below 0.00001; ExAC 0.00002; gnomAD 0.00004; TOPMed 0.00005; 1000 Genomes Project 30x 0.00016; 1000 Genomes Project 0.00020.
gnomAD v4.1: 13 of 1,610,930 alleles (0.00081%); highest among the groups gnomAD compares: African/African-American, 0.016%; no homozygotes.

Submissions (2):

Labcorp Genetics (formerly Invitae), Labcorp
Classification: Benign for Kabuki syndrome. Last evaluated: 2025-06-10. Review status: criteria provided, single submitter. Criteria: Invitae Variant Classification Sherloc (09022015). Collection method: clinical testing. Allele origin: germline.

PreventionGenetics, part of Exact Sciences
Classification: Uncertain significance for KMT2D-related condition. Last evaluated: 2025-06-03. Review status: criteria provided, single submitter. Criteria: ACMG Guidelines, 2015. Collection method: clinical testing. Allele origin: germline.
Comment: The KMT2D c.9995C>G variant is predicted to result in the amino acid substitution p.Thr3332Ser. To our knowledge, this variant has not been reported in the literature. This variant is reported in 0.017% of alleles in individuals of African descent in gnomAD which is likely too frequent for an unreported disease-causing variant. Although we suspect that this variant may be benign, at this time, the clinical significance of this variant is uncertain due to the absence of conclusive functional and genetic evidence.